The following is an entry in ClinVar:

ClinVar aggregate classification (germline): Uncertain significance (1 of 4 stars; one submission).

gnomAD v4.1: 1 of 1,524,902 alleles (0.000066%); highest among the groups gnomAD compares: South Asian, 0.0012%; no homozygotes.

Submission:

Ambry Genetics
Classification: Uncertain significance. Last evaluated: 2024-07-08. Review status: criteria provided, single submitter. Criteria: Ambry Variant Classification Scheme 2023. Collection method: clinical testing. Allele origin: germline.
Comment: The p.I490M variant (also known as c.1470A>G), located in coding exon 14 of the PRKDC gene, results from an A to G substitution at nucleotide position 1470. The isoleucine at codon 490 is replaced by methionine, an amino acid with highly similar properties. This amino acid position is conserved. In addition, this alteration is predicted to be tolerated by in silico analysis. Based on the available evidence, the clinical significance of this variant remains unclear.

NM_006904.7(PRKDC):c.1470A>G (p.Ile490Met)

Gene: PRKDC (protein kinase, DNA-activated, catalytic subunit; minus strand). Cytogenetic location: 8q11.21.
Variant type: single nucleotide variant.
Coding change: c.1470A>G on transcript NM_006904.7 (MANE Select); coding-DNA position 1470, A replaced by G.
Protein change: p.Ile490Met; replaces isoleucine 490 with methionine.
Molecular consequence: missense variant.
Genome position (GRCh38, 1-based): chr8:47,935,036, T>C on the plus strand (A>G on the coding strand, the complement: PRKDC is on the minus strand). VCF-style: chr8-47935036-T-C. GRCh37 (hg19) VCF-style: chr8-48847596-T-C.
Other names: c.1470A>G, p.Ile490Met (NM_001081640.2); short protein forms I490M.
Identifiers: ClinVar variation 3425272 (VCV003425272.1).